The following is an entry in ClinVar:

ClinVar aggregate classification (germline): Pathogenic. Review status: criteria provided, multiple submitters, no conflicts (2 of 4 stars). 13 submissions from 13 submitters: Pathogenic (12). 1 of the submissions does not count toward it. Last evaluated 2026-09-16.

Conditions:
Ovarian cancer. Also called: OVARIAN CANCER, SOMATIC. Identifiers: Orphanet 213500, MedGen C1140680, MONDO:0008170, OMIM 167000.
Fanconi anemia complementation group J. Also called: BRIP1-Related Fanconi Anemia. Identifiers: Orphanet 84, MedGen C1836860, MONDO:0012187, OMIM 609054.
Inherited ovarian cancer (without breast cancer).
BRIP1-related disorder. Also called: BRIP1-related condition; BRIP1-related disorders. Identifiers: MedGen CN239206.
Hereditary cancer-predisposing syndrome. Also called: Tumor predisposition; Hereditary neoplastic syndrome; Neoplastic Syndromes, Hereditary; Hereditary Cancer Syndrome. Identifiers: Orphanet 140162, MedGen C0027672, MeSH D009386, MONDO:0015356.
Familial cancer of breast. Also called: BREAST CANCER, FAMILIAL; Hereditary breast cancer; hereditary breast carcinoma. Identifiers: Orphanet 227535, MedGen C0346153, MONDO:0016419, OMIM 114480. Disease mechanism: loss of function.

Submissions (13):

Genetics Laboratory, Great Ormond Street Hospital NHS Foundation Trust, North Thames Genomic Laboratory Hub
Classification: Pathogenic for Inherited ovarian cancer (without breast cancer). Last evaluated: 2026-09-16. Review status: criteria provided, single submitter. Criteria: CanVIG Consensus Spec V3.0. Collection method: clinical testing. Allele origin: germline. Affected: yes.
Comment: PM2_supporting, PVS1_very-strong, PM5_supporting

Labcorp Genetics (formerly Invitae), Labcorp
Classification: Pathogenic for Familial cancer of breast; Fanconi anemia complementation group J. Last evaluated: 2026-01-26. Review status: criteria provided, single submitter. Criteria: Invitae Variant Classification Sherloc (09022015). Collection method: clinical testing. Allele origin: germline.
Comment: This sequence change creates a premature translational stop signal (p.Ile504Asnfs*7) in the BRIP1 gene. It is expected to result in an absent or disrupted protein product. Loss-of-function variants in BRIP1 are known to be pathogenic (PMID: 16116423, 17033622, 21964575). This variant is present in population databases (rs775735278, gnomAD 0.006%). This premature translational stop signal has been observed in individual(s) with ovarian cancer (PMID: 26720728). This variant is also known as c.1510insA. ClinVar contains an entry for this variant (Variation ID: 230237). For these reasons, this variant has been classified as Pathogenic.

Ambry Genetics
Classification: Pathogenic for Hereditary cancer-predisposing syndrome. Last evaluated: 2025-04-10. Review status: criteria provided, single submitter. Criteria: Ambry Variant Classification Scheme 2023. Collection method: clinical testing. Allele origin: germline.
Comment: The c.1510dupA pathogenic mutation, located in coding exon 10 of the BRIP1 gene, results from a duplication of A at nucleotide position 1510, causing a translational frameshift with a predicted alternate stop codon (p.I504Nfs*7). This variant has been identified in multiple ovarian cancer cohorts (Koczkowska M et al. Cancers (Basel), 2018 Nov;10; Norquist BM et al. JAMA Oncol, 2016 Apr;2:482-90). In addition to the clinical data presented in the literature, this alteration is expected to result in loss of function by premature protein truncation or nonsense-mediated mRNA decay. As such, this alteration is interpreted as a disease-causing mutation.

Fulgent Genetics
Classification: Pathogenic for Familial cancer of breast; Fanconi anemia complementation group J. Last evaluated: 2024-03-08. Review status: criteria provided, single submitter. Criteria: ACMG Guidelines, 2015. Collection method: clinical testing. Allele origin: germline.

Women's Health and Genetics/Laboratory Corporation of America, LabCorp
Classification: Pathogenic for Fanconi anemia complementation group J. Last evaluated: 2024-03-07. Review status: criteria provided, single submitter. Criteria: LabCorp Variant Classification Summary - May 2015. Collection method: clinical testing. Allele origin: germline.
Comment: Variant summary: BRIP1 c.1510dupA (p.Ile504AsnfsX7) results in a premature termination codon, predicted to cause absence of the protein due to nonsense mediated decay, which is a commonly known mechanism for disease. The variant allele was found at a frequency of 4e-06 in 251366 control chromosomes. c.1510dupA has been reported in the literature in at-least one individual affected with Breast Cancer (e.g. Weber-Lassalle_2018). To our knowledge, no experimental evidence demonstrating an impact on protein function has been reported. The following publication have been ascertained in the context of this evaluation (PMID: 29368626). ClinVar contains an entry for this variant (Variation ID: 230237). Based on the evidence outlined above, the variant was classified as pathogenic.

Blueprint Genetics
Classification: Pathogenic for BRIP1-related disorders. Last evaluated: 2024-02-15. Review status: criteria provided, single submitter. Criteria: ACMG Guidelines, 2015. Collection method: clinical testing. Allele origin: germline. Affected: yes. Observed: 1 variant allele.

Baylor Genetics
Classification: Pathogenic for Familial cancer of breast. Last evaluated: 2023-12-08. Review status: criteria provided, single submitter. Criteria: ACMG Guidelines, 2015. Collection method: clinical testing. Allele origin: unknown.

GeneDx
Classification: Pathogenic. Last evaluated: 2023-11-17. Review status: criteria provided, single submitter. Criteria: GeneDx Variant Classification Process June 2021. Collection method: clinical testing. Allele origin: germline. Affected: yes.
Comment: Frameshift variant predicted to result in protein truncation or nonsense mediated decay in a gene for which loss-of-function is a known mechanism of disease; Not observed at a significant frequency in large population cohorts (gnomAD); Observed in individuals with personal or family history of BRIP1-related cancers referred for genetic testing at GeneDx and in the published literature (PMID: 32255556, 26720728, 29368626); This variant is associated with the following publications: (PMID: 28888541, 26720728, 29922827, 29368626, 32255556, 35273153, 28828701, 33471991, 30441849, 32231423)

Myriad Genetics, Inc.
Classification: Pathogenic for Familial cancer of breast. Last evaluated: 2023-02-27. Review status: criteria provided, single submitter. Criteria: Myriad Autosomal Dominant, Autosomal Recessive and X-Linked Classification Criteria (2023). Collection method: clinical testing. Allele origin: unknown.
Comment: This variant is considered pathogenic. This variant creates a frameshift predicted to result in premature protein truncation.

Sema4
Classification: Pathogenic for Hereditary cancer-predisposing syndrome. Last evaluated: 2022-02-19. Review status: criteria provided, single submitter. Criteria: Sema4 Curation Guidelines. Collection method: curation. Allele origin: germline.
Comment: The BRIP1 c.1510dupA (p.I504NfsX7) variant has been reported in heterozygosity in at least six individuals with pancreatic, ovarian and/or breast cancer (PMID: 26720728, 28828701, 29368626, 30441849, 32255556, 33471991). It is also known as c.1510insA in the literature. This variant causes a frameshift at amino acid 504 that results in premature termination 7 amino acids downstream. At this location, this variant is predicted to cause loss of normal protein function either through protein truncation or nonsense-mediated mRNA decay. Loss of function of the BRIP1 gene is an established disease mechanism (PMID: 21964575). This variant was observed in 1/18394 chromosomes in the East Asian population according to the Genome Aggregation Database (PMID: 32461654), and has been reported in ClinVar (Variation ID: 230237). Based on the current evidence available, this variant is interpreted as pathogenic.

Quest Diagnostics Nichols Institute San Juan Capistrano
Classification: Pathogenic. Last evaluated: 2020-08-02. Review status: criteria provided, single submitter. Criteria: Quest Diagnostics criteria. Collection method: clinical testing. Allele origin: unknown.
Comment: The variant results in a shift of the reading frame, and is therefore predicted to result in the loss of a functional protein. Found in at least one patient with expected phenotype for this gene, and found in general population data at a frequency that is consistent with pathogenicity.

Color Diagnostics, LLC DBA Color Health
Classification: Pathogenic for Hereditary cancer-predisposing syndrome. Last evaluated: 2020-01-15. Review status: criteria provided, single submitter. Criteria: ACMG Guidelines, 2015. Collection method: clinical testing. Allele origin: germline.
Comment: This variant inserts 1 nucleotide in exon 11 of the BRIP1 gene, creating a frameshift and premature translation stop signal. This variant is expected to result in an absent or non-functional protein product. This variant has been identified in 1/251366 chromosomes in the general population by the Genome Aggregation Database (gnomAD). Loss of BRIP1 function is a known mechanism of disease. Based on the available evidence, this variant is classified as Pathogenic.

Counsyl
Classification: Likely pathogenic for Fanconi anemia complementation group J; Ovarian cancer. Last evaluated: 2017-04-25. Review status: no assertion criteria provided. Collection method: clinical testing. Allele origin: unknown. Not counted in ClinVar's aggregate classification.

Literature cited by the submitters: PubMed 16116423 (cited by Labcorp Genetics (formerly Invitae), Labcorp); PubMed 17033622 (cited by Labcorp Genetics (formerly Invitae), Labcorp); PubMed 21964575 (cited by Labcorp Genetics (formerly Invitae), Labcorp and Sema4); PubMed 26720728 (cited by 4 submitters); PubMed 29922827 (cited by Ambry Genetics and Quest Diagnostics Nichols Institute San Juan Capistrano); PubMed 30441849 (cited by 3 submitters); PubMed 29368626 (cited by 3 submitters); PubMed 28828701 (cited by Sema4 and Quest Diagnostics Nichols Institute San Juan Capistrano); PubMed 32255556 (cited by Sema4); PubMed 33471991 (cited by Sema4); PubMed 32231423 (cited by Quest Diagnostics Nichols Institute San Juan Capistrano).

NM_032043.3(BRIP1):c.1510dup (p.Ile504fs)

Gene: BRIP1 (BRCA1 interacting DNA helicase 1; minus strand). Cytogenetic location: 17q23.2.
Variant type: Duplication.
Coding change: c.1510dup on transcript NM_032043.3 (MANE Select); coding-DNA position 1510, one base duplicated (A; older notation c.1510dupA).
Protein change: p.Ile504fs; shifts the reading frame from isoleucine 504.
Molecular consequence: frameshift variant.
Genome position (GRCh38, 1-based): chr17:61,784,388, T duplicated on the plus strand (A on the coding strand, the reverse complement: BRIP1 is on the minus strand); the first of 6 consecutive T bases (chr17:61,784,388-61,784,393); duplicating any one gives the same sequence. VCF-style (leftmost placement, unchanged base first): chr17-61784387-A-AT. GRCh37 (hg19) VCF-style: chr17-59861748-A-AT.
Other names: c.1510dupA (NM_032043.2, NM_032043.3); short protein forms I504fs.
Identifiers: ClinVar variation 230237 (VCV000230237.35), dbSNP rs775735278, ClinGen allele CA8690717.